The following is an entry in ClinVar:

ClinVar aggregate classification (germline): Benign (1 of 4 stars; one submission).

Conditions:
Familial benign pemphigus (HHD). Identifiers: Orphanet 2841, MedGen C0085106, MONDO:0008218, OMIM 169600.

Allele frequency attached by ClinVar (database versions not stated): 1000 Genomes Project 0.00020; 1000 Genomes Project 30x 0.00031; ESP Exome Variant Server 0.00085; ExAC 0.00089; gnomAD exomes 0.00090 and 0.00184; gnomAD 0.00099 and 0.00106; TOPMed 0.00099.
gnomAD v4.1: 2,764 of 1,606,534 alleles (0.17%); highest among the groups gnomAD compares: Non-Finnish European, 0.23%; 4 homozygotes.

Submission:

Illumina Laboratory Services, Illumina
Classification: Benign for Familial benign pemphigus. Last evaluated: 2018-01-13. Review status: criteria provided, single submitter. Criteria: ICSL Variant Classification Criteria 13 December 2019. Collection method: clinical testing. Allele origin: germline.
Comment: This variant was observed in the ICSL laboratory as part of a predisposition screen in an ostensibly healthy population. It had not been previously curated by ICSL or reported in the Human Gene Mutation Database (HGMD: prior to June 1st, 2018), and was therefore a candidate for classification through an automated scoring system. Utilizing variant allele frequency, disease prevalence and penetrance estimates, and inheritance mode, an automated score was calculated to assess if this variant is too frequent to cause the disease. Based on the score and internal cut-off values, a variant classified as benign is not then subjected to further curation. The score for this variant resulted in a classification of benign for this disease.

NM_001378687.1(ATP2C1):c.1840-12G>A

Gene: ATP2C1 (ATPase secretory pathway Ca2+ transporting 1; plus strand). Cytogenetic location: 3q22.1.
Variant type: single nucleotide variant.
Coding change: c.1840-12G>A on transcript NM_001378687.1 (MANE Select); 12 bases into the intron before coding-DNA position 1840, G replaced by A.
Molecular consequence: intron variant.
Genome position (GRCh38, 1-based): chr3:130,992,939, G>A. VCF-style: chr3-130992939-G-A. GRCh37 (hg19) VCF-style: chr3-130711783-G-A.
Other names: c.1942-12G>A (NM_001378511.1, NM_001199180.2, NM_001199181.3); c.1825-12G>A (NM_001199182.2); c.1840-12G>A (NM_001001486.2, NM_001001487.2, NM_001001485.3 and 5 more transcripts); c.1792-12G>A (NM_001378514.1, NM_001199183.2, NM_001199184.3).
Identifiers: ClinVar variation 343329 (VCV000343329.5), dbSNP rs201666095, ClinGen allele CA2615239.